The following is an entry in ClinVar:

NM_145868.2(ANXA11):c.172-5T>A

Gene: ANXA11 (annexin A11; minus strand). Cytogenetic location: 10q22.3.
Variant type: single nucleotide variant.
Coding change: c.172-5T>A on transcript NM_145868.2 (MANE Select); 5 bases into the intron before coding-DNA position 172, T replaced by A.
Molecular consequence: intron variant.
Genome position (GRCh38, 1-based): chr10:80,169,363, A>T on the plus strand (T>A on the coding strand, the complement: ANXA11 is on the minus strand). VCF-style: chr10-80169363-A-T. GRCh37 (hg19) VCF-style: chr10-81929119-A-T.
Other names: c.73-5T>A (NM_001278409.2); c.172-5T>A (NM_145869.2, NM_001278408.2, NM_001278407.2 and 1 more transcripts).
Identifiers: ClinVar variation 3699325 (VCV003699325.2).
Genomic context (GRCh38, chr10:80,169,363, plus strand): 5'-CCAGGGTACAGGTTGGGCATGTTGGCTCCTCCAAATGTCCCAGACATGTTGGCCGCCTGC[A>T]AGGACACAAAGCAGAGCCTGAGGCCAATGGGCCCTGCTGCACTCCGTCCCTCCACCCTTT-3'

ClinVar aggregate classification (germline): Uncertain significance (1 of 4 stars; one submission).

Submission:

Labcorp Genetics (formerly Invitae), Labcorp
Classification: Uncertain significance. Last evaluated: 2025-12-25. Review status: criteria provided, single submitter. Criteria: Invitae Variant Classification Sherloc (09022015). Collection method: clinical testing. Allele origin: germline.
Comment: This sequence change falls in intron 3 of the ANXA11 gene. It does not directly change the encoded amino acid sequence of the ANXA11 protein. This variant is not present in population databases (gnomAD no frequency). This variant has not been reported in the literature in individuals affected with ANXA11-related conditions. ClinVar contains an entry for this variant (Variation ID: 3699325). Algorithms developed to predict the effect of sequence changes on RNA splicing suggest that this variant may disrupt the consensus splice site. In summary, the available evidence is currently insufficient to determine the role of this variant in disease. Therefore, it has been classified as a Variant of Uncertain Significance.